The following is an entry in ClinVar:

ClinVar aggregate classification (germline): Uncertain significance (1 of 4 stars; one submission).

gnomAD v4.1: 2 of 1,611,362 alleles (0.00012%); highest among the groups gnomAD compares: African/African-American, 0.0027%; no homozygotes.

Submission:

GeneDx
Classification: Uncertain significance. Last evaluated: 2024-06-24. Review status: criteria provided, single submitter. Criteria: GeneDx Variant Classification Process June 2021. Collection method: clinical testing. Allele origin: germline. Affected: yes.
Comment: Not observed at significant frequency in large population cohorts (gnomAD); In silico analysis supports that this missense variant has a deleterious effect on protein structure/function; Has not been previously published as pathogenic or benign to our knowledge

NM_001394062.1(MACF1):c.17515C>A (p.Arg5839Ser)

Gene: MACF1 (microtubule actin crosslinking factor 1; plus strand). Cytogenetic location: 1p34.3.
Variant type: single nucleotide variant.
Coding change: c.17515C>A on transcript NM_001394062.1 (MANE Select); coding-DNA position 17515, C replaced by A.
Protein change: p.Arg5839Ser; replaces arginine 5839 with serine.
Molecular consequence: missense variant.
Genome position (GRCh38, 1-based): chr1:39,433,105, C>A. VCF-style: chr1-39433105-C-A. GRCh37 (hg19) VCF-style: chr1-39898777-C-A.
Other names: c.5584C>A, p.Arg1862Ser (NM_001397473.1); c.11329C>A, p.Arg3777Ser (NM_012090.5); short protein forms R1862S, R3777S, R5839S.
Identifiers: ClinVar variation 3392665 (VCV003392665.1).